The following is an entry in ClinVar:

NM_001042517.2(DIAPH3):c.2096T>C (p.Ile699Thr)

Gene: DIAPH3 (diaphanous related formin 3; minus strand). Cytogenetic location: 13q21.2.
Variant type: single nucleotide variant.
Coding change: c.2096T>C on transcript NM_001042517.2 (MANE Select); coding-DNA position 2096, T replaced by C.
Protein change: p.Ile699Thr; replaces isoleucine 699 with threonine.
Molecular consequence: missense variant.
Genome position (GRCh38, 1-based): chr13:59,924,849, A>G on the plus strand (T>C on the coding strand, the complement: DIAPH3 is on the minus strand). VCF-style: chr13-59924849-A-G. GRCh37 (hg19) VCF-style: chr13-60498983-A-G.
Other names: c.2096T>C (NM_001042517.1); c.2063T>C, p.Ile688Thr (NM_001258366.2); c.1958T>C, p.Ile653Thr (NM_001258367.2); c.1886T>C, p.Ile629Thr (NM_001258368.2); c.2096T>C, p.Ile699Thr (NM_001258369.2); c.1307T>C, p.Ile436Thr (NM_001258370.2, NM_030932.4); short protein forms I436T, I688T, I699T, I653T, I629T.
Identifiers: ClinVar variation 2171960 (VCV002171960.5), dbSNP rs199556306, ClinGen allele CA6996487.
Genomic context (GRCh38, chr13:59,924,849, plus strand): 5'-ATTTTAGAATCTAAAAACTTAAGTTCTTTAATTTTTTTCTTAATCGATTTCTTCTCTTCA[A>G]TATCTTCCTCTTCTCTTCTCTCTGTAAAACCAAGATAGATCCATGTTAGGGGCAGCAATT-3'
Protein context (NP_001035982.1, residues 689-709): QQKERREEED[Ile699Thr]EEKKSIKKKI

ClinVar aggregate classification (germline): Conflicting classifications of pathogenicity. Review status: criteria provided, conflicting classifications (1 of 4 stars). 2 submissions from 2 submitters: Uncertain significance (1); Likely benign (1). Last evaluated 2025-09-21.

Allele frequency attached by ClinVar (database versions not stated): TOPMed 0.00013; ESP Exome Variant Server 0.00017; 1000 Genomes Project 0.00020; ExAC 0.00003; gnomAD 0.00011; 1000 Genomes Project 30x 0.00031.
gnomAD v4.1: 105 of 1,600,894 alleles (0.0066%); highest among the groups gnomAD compares: African/African-American, 0.027%; 1 homozygote.

Submissions (2):

Ambry Genetics
Classification: Likely benign. Last evaluated: 2025-09-21. Review status: criteria provided, single submitter. Criteria: Ambry Variant Classification Scheme 2023. Collection method: clinical testing. Allele origin: germline.

Labcorp Genetics (formerly Invitae), Labcorp
Classification: Uncertain significance. Last evaluated: 2022-04-08. Review status: criteria provided, single submitter. Criteria: Invitae Variant Classification Sherloc (09022015). Collection method: clinical testing. Allele origin: germline.
Comment: This sequence change replaces isoleucine, which is neutral and non-polar, with threonine, which is neutral and polar, at codon 699 of the DIAPH3 protein (p.Ile699Thr). This variant is present in population databases (rs199556306, gnomAD 0.01%). This variant has not been reported in the literature in individuals affected with DIAPH3-related conditions. Algorithms developed to predict the effect of missense changes on protein structure and function output the following: SIFT: "Deleterious"; PolyPhen-2: "Benign"; Align-GVGD: "Class C0". The threonine amino acid residue is found in multiple mammalian species, which suggests that this missense change does not adversely affect protein function. In summary, the available evidence is currently insufficient to determine the role of this variant in disease. Therefore, it has been classified as a Variant of Uncertain Significance.